The following is an entry in ClinVar:

NM_174934.4(SCN4B):c.641G>T (p.Gly214Val)

Gene: SCN4B (sodium voltage-gated channel beta subunit 4; minus strand). Cytogenetic location: 11q23.3.
Variant type: single nucleotide variant.
Coding change: c.641G>T on transcript NM_174934.4 (MANE Select); coding-DNA position 641, G replaced by T.
Protein change: p.Gly214Val; replaces glycine 214 with valine.
Molecular consequence: missense variant. On other transcripts: non-coding transcript variant (1).
Genome position (GRCh38, 1-based): chr11:118,137,073, C>A on the plus strand (G>T on the coding strand, the complement: SCN4B is on the minus strand). VCF-style: chr11-118137073-C-A. GRCh37 (hg19) VCF-style: chr11-118007788-C-A.
Other names: c.239G>T, p.Gly80Val (NM_001142348.2); c.311G>T, p.Gly104Val (NM_001142349.2); short protein forms G80V, G214V, G104V.
Identifiers: ClinVar variation 1753428 (VCV001753428.6), dbSNP rs1948023197, ClinGen allele CA382776538.

ClinVar aggregate classification (germline): Uncertain significance. Review status: criteria provided, multiple submitters, no conflicts (2 of 4 stars). 2 submissions from 2 submitters: Uncertain significance (2). Last evaluated 2025-05-03.

Conditions:
Cardiovascular phenotype. Identifiers: MedGen CN230736.
Long QT syndrome 10 (LQT10). Identifiers: Orphanet 101016, Orphanet 768, MedGen C2678484, MONDO:0012737, OMIM 611819.

Submissions (2):

Ambry Genetics
Classification: Uncertain significance for Cardiovascular phenotype. Last evaluated: 2025-05-03. Review status: criteria provided, single submitter. Criteria: Ambry Variant Classification Scheme 2023. Collection method: clinical testing. Allele origin: germline.
Comment: The p.G214V variant (also known as c.641G>T), located in coding exon 5 of the SCN4B gene, results from a G to T substitution at nucleotide position 641. The glycine at codon 214 is replaced by valine, an amino acid with dissimilar properties. This amino acid position is highly conserved in available vertebrate species. In addition, this alteration is predicted to be deleterious by in silico analysis. Since supporting evidence is limited at this time, the clinical significance of this alteration remains unclear.

Labcorp Genetics (formerly Invitae), Labcorp
Classification: Uncertain significance for Long QT syndrome 10. Last evaluated: 2023-12-15. Review status: criteria provided, single submitter. Criteria: Invitae Variant Classification Sherloc (09022015). Collection method: clinical testing. Allele origin: germline.
Comment: This sequence change replaces glycine, which is neutral and non-polar, with valine, which is neutral and non-polar, at codon 214 of the SCN4B protein (p.Gly214Val). This variant is not present in population databases (gnomAD no frequency). This variant has not been reported in the literature in individuals affected with SCN4B-related conditions. ClinVar contains an entry for this variant (Variation ID: 1753428). An algorithm developed to predict the effect of missense changes on protein structure and function (PolyPhen-2) suggests that this variant is likely to be disruptive. In summary, the available evidence is currently insufficient to determine the role of this variant in disease. Therefore, it has been classified as a Variant of Uncertain Significance.